The following is an entry in ClinVar:

ClinVar aggregate classification (germline): Uncertain significance (1 of 4 stars; one submission).

Conditions:
Charcot-Marie-Tooth Disease, axonal, type 2GG (CMT2GG). Also called: Charcot-Marie-Tooth disease dominant intermediate II; Charcot-Marie-Tooth neuropathy, type 2GG; Charcot-Marie-Tooth neuropathy, axonal, type 2GG. Identifiers: Orphanet 100043, MedGen C5561933, MONDO:0011675, OMIM 606483.

gnomAD v4.1: 2 of 1,602,408 alleles (0.00012%); highest among the groups gnomAD compares: Non-Finnish European, 0.00017%; no homozygotes.

Submission:

Institute of Human Genetics, University of Goettingen
Classification: Uncertain significance for Charcot-Marie-Tooth Disease, axonal, type 2GG. Last evaluated: 2024-08-19. Review status: criteria provided, single submitter. Criteria: ACMG Guidelines, 2015. Collection method: clinical testing. Allele origin: germline. Inheritance: Autosomal dominant inheritance. Observed: 1 heterozygote.
Comment: PM2_sup: Variant not found in gnomAD genomes, good gnomAD genomes coverage = 29.2.Variant not found in gnomAD exomes, good gnomAD exomes coverage = 86.5. PP3:MetaRNN = 0.875 is between 0.841 and 0.939 ⇒ pathogenic.

NM_001377137.1(GBF1):c.1421A>G (p.Tyr474Cys)

Gene: GBF1 (golgi brefeldin A resistant guanine nucleotide exchange factor 1; plus strand). Cytogenetic location: 10q24.32.
Variant type: single nucleotide variant.
Coding change: c.1421A>G on transcript NM_001377137.1 (MANE Select); coding-DNA position 1421, A replaced by G.
Protein change: p.Tyr474Cys; replaces tyrosine 474 with cysteine.
Molecular consequence: missense variant. On other transcripts: non-coding transcript variant (5), intron variant (2).
Genome position (GRCh38, 1-based): chr10:102,361,050, A>G. VCF-style: chr10-102361050-A-G. GRCh37 (hg19) VCF-style: chr10-104120807-A-G.
Other names: c.1421A>G, p.Tyr474Cys (NM_001199378.2, NM_001391923.1, NM_001391926.1); c.1418A>G, p.Tyr473Cys (NM_001199379.2, NM_001377138.1, NM_001377141.1 and 7 more transcripts); c.1517A>G, p.Tyr506Cys (NM_001391922.1, NM_001411027.1); c.1040A>G, p.Tyr347Cys (NM_001391931.1); c.1493A>G, p.Tyr498Cys (NM_001411003.1); c.1389+655A>G (NM_001377139.1, NM_001377140.1); short protein forms Y347C, Y473C, Y474C, Y498C, Y506C.
Identifiers: ClinVar variation 3340094 (VCV003340094.1).
Genomic context (GRCh38, chr10:102,361,050, plus strand): 5'-AAACTCATGGCCTACCCTGCTCTCATCTCCAGCTACTCAGCATAGAGCGACTAAACCTTT[A>G]TGCTGCTTCCCTGCGAGTATGCTTCCTACTGTTTGAGAGCATGCGAGAGCACCTCAAGTT-3'
Protein context (NP_001364066.1, residues 464-484): QLLSIERLNL[Tyr474Cys]AASLRVCFLL